The following is an entry in ClinVar:

ClinVar aggregate classification (germline): Uncertain significance (1 of 4 stars; one submission).

Conditions:
Familial intrahepatic cholestasis. Identifiers: Orphanet 284385, MedGen CN296401, MONDO:0017290.

gnomAD v4.1: 13 of 1,613,672 alleles (0.00081%); highest among the groups gnomAD compares: East Asian, 0.0045%; no homozygotes.

Submission:

Genomenon, Inc
Classification: Uncertain significance for Familial intrahepatic cholestasis. Last evaluated: 2026-04-14. Review status: criteria provided, single submitter. Criteria: Genomenon Sequence Variant Interpretation Standards - Updated. Collection method: curation. Allele origin: germline. Affected: no.
Comment: ATP8B1 c.628-30G>A is an intronic variant located in intron 7. This variant has been reported in the published literature (PMID:24260417). It is absent or not present at a significant frequency in gnomAD. In silico models predict that this variant is possibly or probably damaging. In conclusion, we classify ATP8B1 c.628-30G>A as a variant of uncertain significance.

Literature cited by the submitters: PubMed 24260417.

NM_001374385.1(ATP8B1):c.628-30G>A

Gene: ATP8B1 (ATPase phospholipid transporting 8B1; minus strand). Cytogenetic location: 18q21.31.
Variant type: single nucleotide variant.
Coding change: c.628-30G>A on transcript NM_001374385.1 (MANE Select); 30 bases into the intron before coding-DNA position 628, G replaced by A.
Molecular consequence: intron variant.
Genome position (GRCh38, 1-based): chr18:57,697,718, C>T on the plus strand (G>A on the coding strand, the complement: ATP8B1 is on the minus strand). VCF-style: chr18-57697718-C-T. GRCh37 (hg19) VCF-style: chr18-55364950-C-T.
Other names: c.628-30G>A (NM_005603.6); c.478-30G>A (NM_001374386.1).
Identifiers: ClinVar variation 4846506 (VCV004846506.1).